The following is an entry in ClinVar:

ClinVar aggregate classification (germline): Uncertain significance (1 of 4 stars; one submission).

Allele frequency attached by ClinVar (database versions not stated): TOPMed 0.00002; gnomAD 0.00001.
gnomAD v4.1: 18 of 1,613,784 alleles (0.0011%); highest among the groups gnomAD compares: East Asian, 0.0022%; no homozygotes.

Submission:

Labcorp Genetics (formerly Invitae), Labcorp
Classification: Uncertain significance. Last evaluated: 2025-06-02. Review status: criteria provided, single submitter. Criteria: Invitae Variant Classification Sherloc (09022015). Collection method: clinical testing. Allele origin: germline.
Comment: This sequence change replaces leucine, which is neutral and non-polar, with valine, which is neutral and non-polar, at codon 820 of the XPO5 protein (p.Leu820Val). This variant is present in population databases (rs576734931, gnomAD 0.007%). This variant has not been reported in the literature in individuals affected with XPO5-related conditions. ClinVar contains an entry for this variant (Variation ID: 1428391). An algorithm developed to predict the effect of missense changes on protein structure and function (PolyPhen-2) suggests that this variant is likely to be tolerated. In summary, the available evidence is currently insufficient to determine the role of this variant in disease. Therefore, it has been classified as a Variant of Uncertain Significance.

NM_020750.3(XPO5):c.2458C>G (p.Leu820Val)

Genes: XPO5 (exportin 5; minus strand), POLR1C (RNA polymerase I and III subunit C; plus strand). Cytogenetic location: 6p21.1.
Variant type: single nucleotide variant.
Coding change: c.2458C>G on transcript NM_020750.3 (MANE Select); coding-DNA position 2458, C replaced by G.
Protein change: p.Leu820Val; replaces leucine 820 with valine.
Molecular consequence: missense variant. On other transcripts: non-coding transcript variant (1), intron variant (1).
Genome position (GRCh38, 1-based): chr6:43,531,561, G>C on the plus strand (C>G on the coding strand, the complement: XPO5 is on the minus strand). VCF-style: chr6-43531561-G-C. GRCh37 (hg19) VCF-style: chr6-43499299-G-C.
Other names: c.922+10513G>C (NM_001363658.2); short protein forms L820V.
Identifiers: ClinVar variation 1428391 (VCV001428391.6), dbSNP rs576734931, ClinGen allele CA3826131.
Genomic context (GRCh38, chr6:43,531,561, plus strand): 5'-AGAAACGCTGCATTCTTTCCAAGACGGTTTTGAAGACAGGAGAGTCATTGAGTTCCAAGA[G>C]AGGTTGAGGTAATCCTACAGGGAAATACGGGTCAAGAACATGATGCTCCACTGTCAGGAG-3'
Protein context (NP_065801.1, residues 810-830): KSAILGLPQP[Leu820Val]LELNDSPVFK